The following is an entry in ClinVar:

NM_001191061.2(SLC25A22):c.85A>T (p.Ile29Phe)

Gene: SLC25A22 (solute carrier family 25 member 22; minus strand). Cytogenetic location: 11p15.5.
Variant type: single nucleotide variant.
Coding change: c.85A>T on transcript NM_001191061.2 (MANE Select); coding-DNA position 85, A replaced by T.
Protein change: p.Ile29Phe; replaces isoleucine 29 with phenylalanine.
Molecular consequence: missense variant.
Genome position (GRCh38, 1-based): chr11:794,837, T>A on the plus strand (A>T on the coding strand, the complement: SLC25A22 is on the minus strand). VCF-style: chr11-794837-T-A. GRCh37 (hg19) VCF-style: chr11-794837-T-A.
Other names: c.85A>T, p.Ile29Phe (NM_001191060.2, NM_024698.6); short protein forms I29F.
Identifiers: ClinVar variation 461380 (VCV000461380.10), dbSNP rs1386206620, ClinGen allele CA378922150.

ClinVar aggregate classification (germline): Uncertain significance. Review status: criteria provided, multiple submitters, no conflicts (2 of 4 stars). 2 submissions from 2 submitters: Uncertain significance (2). Last evaluated 2022-06-04.

Conditions:
Developmental and epileptic encephalopathy. Identifiers: MedGen C5779964, MONDO:0100620.

Allele frequency attached by ClinVar (database versions not stated): gnomAD exomes 0.00001; TOPMed 0.00001; gnomAD 0.00003.
gnomAD v4.1: 9 of 1,588,088 alleles (0.00057%); highest among the groups gnomAD compares: African/African-American, 0.0027%; no homozygotes.

Submissions (2):

Labcorp Genetics (formerly Invitae), Labcorp
Classification: Uncertain significance for Early-infantile DEE. Last evaluated: 2022-06-04. Review status: criteria provided, single submitter. Criteria: Invitae Variant Classification Sherloc (09022015). Collection method: clinical testing. Allele origin: germline.
Comment: This sequence change replaces isoleucine, which is neutral and non-polar, with phenylalanine, which is neutral and non-polar, at codon 29 of the SLC25A22 protein (p.Ile29Phe). This variant is present in population databases (no rsID available, gnomAD 0.005%). This variant has not been reported in the literature in individuals affected with SLC25A22-related conditions. ClinVar contains an entry for this variant (Variation ID: 461380). Algorithms developed to predict the effect of missense changes on protein structure and function are either unavailable or do not agree on the potential impact of this missense change (SIFT: "Deleterious"; PolyPhen-2: "Probably Damaging"; Align-GVGD: "Class C0"). In summary, the available evidence is currently insufficient to determine the role of this variant in disease. Therefore, it has been classified as a Variant of Uncertain Significance.

Blueprint Genetics
Classification: Uncertain significance. Last evaluated: 2021-09-30. Review status: criteria provided, single submitter. Criteria: ACMG Guidelines, 2015. Collection method: clinical testing. Allele origin: germline.